The following is an entry in ClinVar:

NM_005228.5(EGFR):c.907G>A (p.Asp303Asn)

Gene: EGFR (epidermal growth factor receptor; plus strand). Cytogenetic location: 7p11.2.
Variant type: single nucleotide variant.
Coding change: c.907G>A on transcript NM_005228.5 (MANE Select); coding-DNA position 907, G replaced by A.
Protein change: p.Asp303Asn; replaces aspartic acid 303 with asparagine.
Molecular consequence: missense variant.
Genome position (GRCh38, 1-based): chr7:55,155,847, G>A. VCF-style: chr7-55155847-G-A. GRCh37 (hg19) VCF-style: chr7-55223540-G-A.
Other names: c.772G>A, p.Asp258Asn (NM_001346897.2, NM_001346899.2); c.907G>A, p.Asp303Asn (NM_001346898.2, NM_201282.2, NM_201283.2 and 1 more transcripts); c.748G>A, p.Asp250Asn (NM_001346900.2); c.106G>A, p.Asp36Asn (NM_001346941.2); short protein forms D250N, D303N, D36N, D258N.
Identifiers: ClinVar variation 3843791 (VCV003843791.1).
Genomic context (GRCh38, chr7:55,155,847, plus strand): 5'-TGGTGCCACCGTCATCACCTTCCTTTCATGCTCTCTTCCCCAGGTAATTATGTGGTGACA[G>A]ATCACGGCTCGTGCGTCCGAGCCTGTGGGGCCGACAGCTATGAGATGGAGGAAGACGGCG-3'
Protein context (NP_005219.2, residues 293-313): KKCPRNYVVT[Asp303Asn]HGSCVRACGA

ClinVar aggregate classification (germline): Uncertain significance (1 of 4 stars; one submission).

Conditions:
Hereditary cancer-predisposing syndrome. Also called: Hereditary neoplastic syndrome; Neoplastic Syndromes, Hereditary; Tumor predisposition; Hereditary Cancer Syndrome. Identifiers: Orphanet 140162, MedGen C0027672, MeSH D009386, MONDO:0015356.

Submission:

Ambry Genetics
Classification: Uncertain significance for Hereditary cancer-predisposing syndrome. Last evaluated: 2025-01-17. Review status: criteria provided, single submitter. Criteria: Ambry Variant Classification Scheme 2023. Collection method: clinical testing. Allele origin: germline.
Comment: The p.D303N variant (also known as c.907G>A), located in coding exon 8 of the EGFR gene, results from a G to A substitution at nucleotide position 907. The aspartic acid at codon 303 is replaced by asparagine, an amino acid with highly similar properties. This amino acid position is highly conserved in available vertebrate species. In addition, this alteration is predicted to be tolerated by in silico analysis. Based on the available evidence, the clinical significance of this variant remains unclear.